The following is an entry in ClinVar:

ClinVar aggregate classification (germline): Likely pathogenic (1 of 4 stars; one submission).

Conditions:
DNAH8-related disorder. Also called: DNAH8-related condition.

gnomAD v4.1: 4 of 1,612,372 alleles (0.00025%); highest among the groups gnomAD compares: Non-Finnish European, 0.00034%; no homozygotes.

Submission:

PreventionGenetics, part of Exact Sciences
Classification: Likely pathogenic for DNAH8-related condition. Last evaluated: 2025-04-10. Review status: criteria provided, single submitter. Criteria: ACMG Guidelines, 2015. Collection method: clinical testing. Allele origin: germline.
Comment: The DNAH8 c.11142T>G variant is predicted to result in premature protein termination (p.Tyr3714*). To our knowledge, this variant has not been reported in the literature or in a large population database (gnomAD), indicating this variant is rare. Nonsense variants in DNAH8 are expected to be pathogenic. This variant is interpreted as likely pathogenic.

NM_001206927.2(DNAH8):c.11142T>G (p.Tyr3714Ter)

Genes: DNAH8 (dynein axonemal heavy chain 8; plus strand), DNAH8-AS1 (DNAH8 antisense RNA 1; minus strand). Cytogenetic location: 6p21.2.
Variant type: single nucleotide variant.
Coding change: c.11142T>G on transcript NM_001206927.2 (MANE Select); coding-DNA position 11142, T replaced by G.
Protein change: p.Tyr3714Ter; replaces tyrosine 3714 with a stop codon.
Molecular consequence: nonsense.
Genome position (GRCh38, 1-based): chr6:38,929,534, T>G. VCF-style: chr6-38929534-T-G. GRCh37 (hg19) VCF-style: chr6-38897310-T-G.
Other names: c.10491T>G, p.Tyr3497Ter (NM_001371.4); short protein forms Y3497*, Y3714*.
Identifiers: ClinVar variation 5001064 (VCV005001064.1).